The following is an entry in ClinVar:

NM_001165963.4(SCN1A):c.2636T>G (p.Leu879Arg)

Gene: SCN1A (sodium voltage-gated channel alpha subunit 1; minus strand). Cytogenetic location: 2q24.3.
Variant type: single nucleotide variant.
Coding change: c.2636T>G on transcript NM_001165963.4 (MANE Select); coding-DNA position 2636, T replaced by G.
Protein change: p.Leu879Arg; replaces leucine 879 with arginine.
Molecular consequence: missense variant. On other transcripts: non-coding transcript variant (1).
Genome position (GRCh38, 1-based): chr2:166,038,086, A>C on the plus strand (T>G on the coding strand, the complement: SCN1A is on the minus strand). VCF-style: chr2-166038086-A-C. GRCh37 (hg19) VCF-style: chr2-166894596-A-C.
Other names: c.2552T>G, p.Leu851Arg (NM_001165964.3, NM_001353957.2, NM_001353958.2); c.2636T>G, p.Leu879Arg (NM_001202435.3, NM_001353948.2); c.2603T>G, p.Leu868Arg (NM_001353949.2, NM_001353950.2, NM_001353951.2 and 2 more transcripts); c.2600T>G, p.Leu867Arg (NM_001353954.2, NM_001353955.2); c.2549T>G, p.Leu850Arg (NM_001353960.2); c.194T>G, p.Leu65Arg (NM_001353961.2); short protein forms L868R, L879R, L65R, L851R, L850R, L867R.
Identifiers: ClinVar variation 589795 (VCV000589795.8), dbSNP rs1559200901, ClinGen allele CA349061698.

ClinVar aggregate classification (germline): Likely pathogenic. Review status: criteria provided, multiple submitters, no conflicts (2 of 4 stars). 3 submissions from 3 submitters: Likely pathogenic (3). Last evaluated 2024-10-04.

Conditions:
Developmental and epileptic encephalopathy 6B. Also called: Developmental and epileptic encephalopathy 6B, non-Dravet. Identifiers: MedGen C5543353, MONDO:0030268, OMIM 619317.
Early-infantile DEE. Also called: Early infantile epileptic encephalopathy; Early infantile epileptic encephalopathy with suppression bursts; Ohtahara syndrome. Identifiers: Orphanet 1934, MedGen C0393706, MONDO:0800491.
Inborn genetic diseases. Identifiers: MedGen C0950123, MeSH D030342.

Submissions (3):

Dubai Health Genomic Medicine Center, Dubai Health
Classification: Likely pathogenic for Developmental and epileptic encephalopathy 6B. Last evaluated: 2024-10-04. Review status: criteria provided, single submitter. Criteria: ACMG Guidelines, 2015. Collection method: research. Allele origin: germline. Affected: yes.
Comment: PM1,PM2,PM5,PP3

Labcorp Genetics (formerly Invitae), Labcorp
Classification: Likely pathogenic for Early-infantile DEE. Last evaluated: 2024-10-04. Review status: criteria provided, single submitter. Criteria: Invitae Variant Classification Sherloc (09022015). Collection method: clinical testing. Allele origin: germline.
Comment: This sequence change replaces leucine, which is neutral and non-polar, with arginine, which is basic and polar, at codon 879 of the SCN1A protein (p.Leu879Arg). This variant is not present in population databases (gnomAD no frequency). This missense change has been observed in individual(s) with Dravet syndrome (internal data). ClinVar contains an entry for this variant (Variation ID: 589795). Invitae Evidence Modeling of protein sequence and biophysical properties (such as structural, functional, and spatial information, amino acid conservation, physicochemical variation, residue mobility, and thermodynamic stability) indicates that this missense variant is expected to disrupt SCN1A protein function with a positive predictive value of 95%. This variant disrupts the p.Leu879 amino acid residue in SCN1A. Other variant(s) that disrupt this residue have been observed in individuals with SCN1A-related conditions (PMID: 27781031), which suggests that this may be a clinically significant amino acid residue. In summary, the currently available evidence indicates that the variant is pathogenic, but additional data are needed to prove that conclusively. Therefore, this variant has been classified as Likely Pathogenic.

Ambry Genetics
Classification: Likely pathogenic for Inborn genetic diseases. Last evaluated: 2018-03-25. Review status: criteria provided, single submitter. Criteria: Ambry Variant Classification Scheme 2023. Collection method: clinical testing. Allele origin: germline.
Comment: The p.L879R variant (also known as c.2636T>G), located in coding exon 15 of the SCN1A gene, results from a T to G substitution at nucleotide position 2636. The leucine at codon 879 is replaced by arginine, an amino acid with dissimilar properties. This amino acid position is highly conserved in available vertebrate species. A different alteration located at the same position, p.L879P, has been detected in an individual with Dravet syndrome (M&oslash;ller RS et al. Mol Syndromol, 2016 Sep;7:210-219). This variant is located in the S4-S5 cytoplasmic linker region of repeat II in the sodium channel and indicated to be structurally deleterious (Ambry internal data; Wu J et al. Science, 2015 Dec;350:aad2395). In addition, this alteration is predicted to be deleterious by in silico analysis. Based on the majority of available evidence to date, this variant is likely to be pathogenic.

Literature cited by the submitters: PubMed 27781031 (cited by Labcorp Genetics (formerly Invitae), Labcorp and Ambry Genetics); PubMed 20196795 (cited by Ambry Genetics); PubMed 26680202 (cited by Ambry Genetics).